The following is an entry in ClinVar:

NM_001814.6(CTSC):c.1202_1214del (p.Glu401fs)

Gene: CTSC (cathepsin C; minus strand). Cytogenetic location: 11q14.2.
Variant type: Deletion.
Coding change: c.1202_1214del on transcript NM_001814.6 (MANE Select); coding-DNA positions 1202 to 1214, 13 bases deleted (AGCTGACTAATCA).
Protein change: p.Glu401fs; shifts the reading frame from glutamic acid 401.
Molecular consequence: frameshift variant.
Genome position (GRCh38, 1-based): chr11:88,294,184-88,294,196, TGATTAGTCAGCT deleted on the plus strand (AGCTGACTAATCA on the coding strand, the reverse complement: CTSC is on the minus strand). VCF-style (leftmost placement, unchanged base first): chr11-88294183-ATGATTAGTCAGCT-A. GRCh37 (hg19) VCF-style: chr11-88027351-ATGATTAGTCAGCT-A.
Other names: short protein forms E401fs.
Identifiers: ClinVar variation 2945631 (VCV002945631.3), dbSNP rs2496528837, ClinGen allele CA2740093152.

ClinVar aggregate classification (germline): Pathogenic (1 of 4 stars; one submission).

Conditions:
Periodontitis, aggressive. Identifiers: MedGen C0031106, MONDO:0980757.
Papillon-Lefèvre syndrome (PALS). Also called: KERATOSIS PALMOPLANTARIS WITH PERIODONTOPATHIA; Papillon-Lefevre Disease. Identifiers: Orphanet 678, MedGen C0030360, MONDO:0009490, OMIM 245000.
Haim-Munk syndrome (HMS). Also called: COCHIN JEWISH DISORDER; KERATOSIS PALMOPLANTARIS WITH PERIODONTOPATHIA AND ONYCHOGRYPOSIS. Identifiers: Orphanet 2342, MedGen C1855627, MONDO:0009491, OMIM 245010.

Submission:

Labcorp Genetics (formerly Invitae), Labcorp
Classification: Pathogenic for Haim-Munk syndrome; Periodontitis, aggressive; Papillon-Lefèvre syndrome. Last evaluated: 2023-03-22. Review status: criteria provided, single submitter. Criteria: Invitae Variant Classification Sherloc (09022015). Collection method: clinical testing. Allele origin: germline.
Comment: This sequence change creates a premature translational stop signal (p.Glu401Valfs*49) in the CTSC gene. While this is not anticipated to result in nonsense mediated decay, it is expected to disrupt the last 63 amino acid(s) of the CTSC protein. For these reasons, this variant has been classified as Pathogenic. This variant disrupts a region of the CTSC protein in which other variant(s) (p.Trp429*) have been determined to be pathogenic (PMID: 10593994, 28242153, 29410039). This suggests that this is a clinically significant region of the protein, and that variants that disrupt it are likely to be disease-causing. This variant has not been reported in the literature in individuals affected with CTSC-related conditions. This variant is not present in population databases (gnomAD no frequency).

Literature cited by the submitters: PubMed 10593994; PubMed 28242153; PubMed 29410039.